The following is an entry in ClinVar:

NM_000069.3(CACNA1S):c.117C>T (p.Pro39=)

Gene: CACNA1S (calcium voltage-gated channel subunit alpha1 S; minus strand). Cytogenetic location: 1q32.1.
Variant type: single nucleotide variant.
Coding change: c.117C>T on transcript NM_000069.3 (MANE Select); coding-DNA position 117, C replaced by T.
Protein change: p.Pro39=; no amino-acid change (proline 39 retained).
Molecular consequence: synonymous variant.
Genome position (GRCh38, 1-based): chr1:201,112,223, G>A on the plus strand (C>T on the coding strand, the complement: CACNA1S is on the minus strand). VCF-style: chr1-201112223-G-A. GRCh37 (hg19) VCF-style: chr1-201081351-G-A.
Identifiers: ClinVar variation 3070736 (VCV003070736.1), dbSNP rs761494499, ClinGen allele CA422697945.
Genomic context (GRCh38, chr1:201,112,223, plus strand): 5'-CCACGGCCCGGGCCCTGAAGGATACTTCCATTCTACAATGCTGATGCAGGCCTTCCTCAG[G>A]GGGTTCTCCAGGGTCAGGCAGAACAAGGCCCGGGGTGGCCTTGGCAGAATCTCAGGAACT-3'
Protein context (NP_000060.2, residues 29-49): RALFCLTLEN[Pro39=]LRKACISIVE

ClinVar aggregate classification (germline): Likely benign (1 of 4 stars; one submission).

Conditions:
Malignant hyperthermia, susceptibility to, 5 (MHS5). Also called: CACNA1S-Related Malignant Hyperthermia Susceptibility. Identifiers: Orphanet 423, MedGen C1866077, MONDO:0011163, OMIM 601887.

Submission:

All of Us Research Program, National Institutes of Health
Classification: Likely benign for Malignant hyperthermia, susceptibility to, 5. Last evaluated: 2023-05-04. Review status: criteria provided, single submitter. Criteria: ACMG Guidelines, 2015. Collection method: clinical testing. Allele origin: germline. Inheritance: Autosomal dominant inheritance. Observed: 1 variant allele, 1 heterozygote.
Comment: This study involves interpretation of variants in research participants for the purpose of population health screening. Participant phenotype was not available at the time of variant classification. Additional details can be found in publication PMID: 35346344, PMCID: PMC8962531